The following is an entry in ClinVar:

ClinVar aggregate classification (germline): Uncertain significance (1 of 4 stars; one submission).

Submission:

Women's Health and Genetics/Laboratory Corporation of America, LabCorp
Classification: Uncertain significance. Last evaluated: 2025-11-12. Review status: criteria provided, single submitter. Criteria: LabCorp Variant Classification Summary - May 2015. Collection method: clinical testing. Allele origin: germline.
Comment: Variant summary: The variant involves the duplication of exons 14-18 in the GFM1 gene. A presumed nomenclature of c.(1601+1_1602-1)_(*4115_?)dup has been designated for the purposes of this classification. The exact breakpoint at the 3' end of this variant is unknown, therefore this duplication may extend downstream of the annotated region of the gene. As it duplicates the termination codon, its effect on the encoded protein is unknown. The variant was absent in 21694 control chromosomes. The available data on variant occurrences in the general population are insufficient to allow any conclusion about variant significance. A duplication of exons 14-18 has been observed in individual(s) affected with West syndrome (Barcia_2020). These data do not allow any conclusion about variant significance. To our knowledge, no experimental evidence demonstrating an impact on protein function has been reported. The following publication has been ascertained in the context of this evaluation (PMID: 31680380). ClinVar contains an entry for this variant (Variation ID: 2426908). Based on the evidence outlined above, the variant was classified as uncertain significance.

Literature cited by the submitters: PubMed 31680380.

NC_000003.11:g.(158384176_158399783)_(158413371_?)dup

Genes: GFM1 (G elongation factor mitochondrial 1; plus strand), LXN (latexin; minus strand). Cytogenetic location: 3q25.32.
Variant type: Duplication.
Identifiers: ClinVar variation 4536800 (VCV004536800.1).